The following is an entry in ClinVar:

ClinVar aggregate classification (germline): Likely benign (0 of 4 stars; one submission).

Conditions:
BMP1-related disorder. Also called: BMP1-related condition.

gnomAD v4.1: 28 of 1,606,244 alleles (0.0017%); highest among the groups gnomAD compares: Non-Finnish European, 0.0024%; no homozygotes.

Submission:

PreventionGenetics, part of Exact Sciences
Classification: Likely benign for BMP1-related condition. Last evaluated: 2024-03-19. Review status: no assertion criteria provided. Collection method: clinical testing. Allele origin: germline.
Comment: This variant is classified as likely benign based on ACMG/AMP sequence variant interpretation guidelines (Richards et al. 2015 PMID: 25741868, with internal and published modifications).

NM_006129.5(BMP1):c.1927-5T>C

Gene: BMP1 (bone morphogenetic protein 1; plus strand). Cytogenetic location: 8p21.3.
Variant type: single nucleotide variant.
Coding change: c.1927-5T>C on transcript NM_006129.5 (MANE Select); 5 bases into the intron before coding-DNA position 1927, T replaced by C.
Molecular consequence: intron variant.
Genome position (GRCh38, 1-based): chr8:22,197,235, T>C. VCF-style: chr8-22197235-T-C. GRCh37 (hg19) VCF-style: chr8-22054748-T-C.
Other names: c.1927-5T>C (NM_001199.4).
Identifiers: ClinVar variation 3351434 (VCV003351434.1).